The following is an entry in ClinVar:

NM_000222.3(KIT):c.437A>T (p.Tyr146Phe)

Gene: KIT (KIT proto-oncogene, receptor tyrosine kinase; plus strand). Cytogenetic location: 4q12.
Variant type: single nucleotide variant.
Coding change: c.437A>T on transcript NM_000222.3 (MANE Select); coding-DNA position 437, A replaced by T.
Protein change: p.Tyr146Phe; replaces tyrosine 146 with phenylalanine.
Molecular consequence: missense variant.
Genome position (GRCh38, 1-based): chr4:54,698,383, A>T. VCF-style: chr4-54698383-A-T. GRCh37 (hg19) VCF-style: chr4-55564549-A-T.
Other names: c.437A>T, p.Tyr146Phe (NM_001093772.2, NM_001385284.1, NM_001385285.1 and 4 more transcripts); short protein forms Y146F.
Identifiers: ClinVar variation 2998613 (VCV002998613.3), dbSNP rs2109672766, ClinGen allele CA356897585.

ClinVar aggregate classification (germline): Uncertain significance (1 of 4 stars; one submission).

Conditions:
Gastrointestinal stromal tumor. Also called: Gastrointestinal stromal tumor, somatic; Gastrointestinal stroma tumor. Identifiers: Orphanet 44890, MedGen C0238198, MeSH D046152, MONDO:0011719, OMIM 606764, HP:0100723.

Submission:

Labcorp Genetics (formerly Invitae), Labcorp
Classification: Uncertain significance for Gastrointestinal stromal tumor. Last evaluated: 2023-03-19. Review status: criteria provided, single submitter. Criteria: Invitae Variant Classification Sherloc (09022015). Collection method: clinical testing. Allele origin: germline.
Comment: In summary, the available evidence is currently insufficient to determine the role of this variant in disease. Therefore, it has been classified as a Variant of Uncertain Significance. Algorithms developed to predict the effect of missense changes on protein structure and function output the following: SIFT: "Not Available"; PolyPhen-2: "Benign"; Align-GVGD: "Not Available". The phenylalanine amino acid residue is found in multiple mammalian species, which suggests that this missense change does not adversely affect protein function. This variant has not been reported in the literature in individuals affected with KIT-related conditions. This variant is not present in population databases (gnomAD no frequency). This sequence change replaces tyrosine, which is neutral and polar, with phenylalanine, which is neutral and non-polar, at codon 146 of the KIT protein (p.Tyr146Phe).